The following is an entry in ClinVar:

ClinVar aggregate classification (germline): Conflicting classifications of pathogenicity. Review status: criteria provided, conflicting classifications (1 of 4 stars). 6 submissions from 6 submitters: Uncertain significance (1); Likely benign (5). Last evaluated 2026-02-19.

Conditions:
TTN-related disorder. Also called: TTN-related disorders; TTN-related condition; TTN-related disease.
Autosomal recessive limb-girdle muscular dystrophy type 2J (LGMDR10). Also called: Limb-girdle muscular dystrophy, type 2J; MUSCULAR DYSTROPHY, LIMB-GIRDLE, AUTOSOMAL RECESSIVE 10. Identifiers: Orphanet 140922, MedGen C1837342, MONDO:0012127, OMIM 608807.
Dilated cardiomyopathy 1G (CMD1G). Identifiers: Orphanet 154, MedGen C1858763, MONDO:0011400, OMIM 604145.

Allele frequency attached by ClinVar (database versions not stated): TOPMed 0.00007; ESP Exome Variant Server 0.00008; gnomAD 0.00013.
gnomAD v4.1: 54 of 1,613,690 alleles (0.0033%); highest among the groups gnomAD compares: African/African-American, 0.052%; no homozygotes.

Submissions (6):

PreventionGenetics, part of Exact Sciences
Classification: Likely benign for TTN-related condition. Last evaluated: 2026-02-19. Review status: criteria provided, single submitter. Criteria: ACMG Guidelines, 2015. Collection method: clinical testing. Allele origin: germline.
Comment: This variant is classified as likely benign based on ACMG/AMP sequence variant interpretation guidelines (Richards et al. 2015 PMID: 25741868, with internal and published modifications).

Labcorp Genetics (formerly Invitae), Labcorp
Classification: Likely benign for Dilated cardiomyopathy 1G; Autosomal recessive limb-girdle muscular dystrophy type 2J. Last evaluated: 2026-01-27. Review status: criteria provided, single submitter. Criteria: Invitae Variant Classification Sherloc (09022015). Collection method: clinical testing. Allele origin: germline.

CeGaT Center for Human Genetics Tuebingen
Classification: Likely benign. Last evaluated: 2024-12-01. Review status: criteria provided, single submitter. Criteria: CeGaT Center For Human Genetics Tuebingen Variant Classification Criteria Version 2. Collection method: clinical testing. Allele origin: germline. Affected: yes. Observed: 2 variant alleles.
Comment: TTN: BP4, BP7

Blueprint Genetics
Classification: Likely benign. Last evaluated: 2020-12-23. Review status: criteria provided, single submitter. Criteria: ACMG Guidelines, 2015. Collection method: clinical testing. Allele origin: germline.

GeneDx
Classification: Likely benign. Last evaluated: 2020-02-19. Review status: criteria provided, single submitter. Criteria: GeneDx Variant Classification Process June 2021. Collection method: clinical testing. Allele origin: germline. Affected: yes.

Eurofins Ntd Llc (ga)
Classification: Uncertain significance. Last evaluated: 2015-07-20. Review status: criteria provided, single submitter. Criteria: EGL Classification Definitions 2015. Collection method: clinical testing. Allele origin: germline. Observed: 1 variant allele, 1 heterozygote.

NM_001267550.2(TTN):c.28320C>T (p.Gly9440=)

Gene: TTN (titin; minus strand). Cytogenetic location: 2q31.2.
Variant type: single nucleotide variant.
Coding change: c.28320C>T on transcript NM_001267550.2 (MANE Select); coding-DNA position 28320, C replaced by T.
Protein change: p.Gly9440=; no amino-acid change (glycine 9440 retained).
Molecular consequence: synonymous variant. On other transcripts: intron variant (3).
Genome position (GRCh38, 1-based): chr2:178,710,777, G>A on the plus strand (C>T on the coding strand, the complement: TTN is on the minus strand). VCF-style: chr2-178710777-G-A. GRCh37 (hg19) VCF-style: chr2-179575504-G-A.
Other names: c.27369C>T, p.Gly9123= (NM_001256850.1); c.24588C>T, p.Gly8196= (NM_133378.4); c.13282+27305C>T (NM_003319.4); c.13858+27305C>T (NM_133437.4); c.13657+27305C>T (NM_133432.3).
Identifiers: ClinVar variation 281828 (VCV000281828.44), dbSNP rs375083775, ClinGen allele CA1999613.
Genomic context (GRCh38, chr2:178,710,777, plus strand): 5'-GTCTACTTTGAGGACTGTCAGGTGGGCGCTGTTTTCCAGATAACTAATCTGGTACTTTCC[G>A]CCACTTCGTATTTCTCTGCTGTCTTTGGCCCAGCTGACCTTTATCGGTTGTGTGCCCGTG-3'
Protein context (NP_001254479.2, residues 9430-9450): WAKDSREIRS[Gly9440=]GKYQISYLEN